The following is an entry in ClinVar:

ClinVar aggregate classification (germline): Uncertain significance (1 of 4 stars; one submission).

Conditions:
Familial hypocalciuric hypercalcemia (FHH). Also called: Familial benign hypercalcemia. Identifiers: Orphanet 405, MedGen C1809471, MONDO:0018458.
Autosomal dominant hypocalcemia 1 (HYPOC1). Also called: HYPOCALCEMIA, FAMILIAL. Identifiers: MedGen C3715128, MONDO:0011013, OMIM 601198.

Submission:

Labcorp Genetics (formerly Invitae), Labcorp
Classification: Uncertain significance for Familial hypocalciuric hypercalcemia; Autosomal dominant hypocalcemia 1. Last evaluated: 2019-02-08. Review status: criteria provided, single submitter. Criteria: Invitae Variant Classification Sherloc (09022015). Collection method: clinical testing. Allele origin: germline.
Comment: In summary, the available evidence is currently insufficient to determine the role of this variant in disease. Therefore, it has been classified as a Variant of Uncertain Significance. Algorithms developed to predict the effect of missense changes on protein structure and function are either unavailable or do not agree on the potential impact of this missense change (SIFT: "Deleterious"; PolyPhen-2: "Benign"; Align-GVGD: "Class C55"). This variant has not been reported in the literature in individuals with CASR-related conditions. This variant is not present in population databases (ExAC no frequency). This sequence change replaces threonine with serine at codon 470 of the CASR protein (p.Thr470Ser). The threonine residue is highly conserved and there is a small physicochemical difference between threonine and serine.

NM_000388.4(CASR):c.1408A>T (p.Thr470Ser)

Gene: CASR (calcium sensing receptor; plus strand). Cytogenetic location: 3q21.1.
Variant type: single nucleotide variant.
Coding change: c.1408A>T on transcript NM_000388.4 (MANE Select); coding-DNA position 1408, A replaced by T.
Protein change: p.Thr470Ser; replaces threonine 470 with serine.
Molecular consequence: missense variant.
Genome position (GRCh38, 1-based): chr3:122,275,842, A>T. VCF-style: chr3-122275842-A-T. GRCh37 (hg19) VCF-style: chr3-121994689-A-T.
Other names: c.1408A>T, p.Thr470Ser (NM_001178065.2); short protein forms T470S.
Identifiers: ClinVar variation 863507 (VCV000863507.10), dbSNP rs2074811205, ClinGen allele CA354154889.